The following is an entry in ClinVar:

ClinVar aggregate classification (germline): Uncertain significance (1 of 4 stars; one submission).

gnomAD v4.1: 23 of 1,613,838 alleles (0.0014%); highest among the groups gnomAD compares: Non-Finnish European, 0.0019%; no homozygotes.

Submission:

Labcorp Genetics (formerly Invitae), Labcorp
Classification: Uncertain significance. Last evaluated: 2022-02-04. Review status: criteria provided, single submitter. Criteria: Invitae Variant Classification Sherloc (09022015). Collection method: clinical testing. Allele origin: germline.
Comment: This sequence change replaces glutamine, which is neutral and polar, with histidine, which is basic and polar, at codon 4924 of the PCLO protein (p.Gln4924His). This variant is not present in population databases (gnomAD no frequency). This variant has not been reported in the literature in individuals affected with PCLO-related conditions. Algorithms developed to predict the effect of missense changes on protein structure and function output the following: SIFT: "Deleterious"; PolyPhen-2: "Not Available"; Align-GVGD: "Class C0". The histidine amino acid residue is found in multiple mammalian species, which suggests that this missense change does not adversely affect protein function. In summary, the available evidence is currently insufficient to determine the role of this variant in disease. Therefore, it has been classified as a Variant of Uncertain Significance.

NM_033026.6(PCLO):c.14772A>T (p.Gln4924His)

Gene: PCLO (piccolo presynaptic cytomatrix protein; minus strand). Cytogenetic location: 7q21.11.
Variant type: single nucleotide variant.
Coding change: c.14772A>T on transcript NM_033026.6 (MANE Select); coding-DNA position 14772, A replaced by T.
Protein change: p.Gln4924His; replaces glutamine 4924 with histidine.
Molecular consequence: missense variant.
Genome position (GRCh38, 1-based): chr7:82,822,514, T>A on the plus strand (A>T on the coding strand, the complement: PCLO is on the minus strand). VCF-style: chr7-82822514-T-A. GRCh37 (hg19) VCF-style: chr7-82451830-T-A.
Other names: c.14772A>T, p.Gln4924His (NM_014510.3); short protein forms Q4924H.
Identifiers: ClinVar variation 1386341 (VCV001386341.3), dbSNP rs2115646131, ClinGen allele CA368018800.